The following is an entry in ClinVar:

NM_016653.3(MAP3K20):c.1502T>C (p.Ile501Thr)

Genes: MAP3K20 (mitogen-activated protein kinase kinase kinase 20; plus strand), MAP3K20-AS1 (MAP3K20 antisense RNA 1; minus strand). Cytogenetic location: 2q31.1.
Variant type: single nucleotide variant.
Coding change: c.1502T>C on transcript NM_016653.3 (MANE Select); coding-DNA position 1502, T replaced by C.
Protein change: p.Ile501Thr; replaces isoleucine 501 with threonine.
Molecular consequence: missense variant.
Genome position (GRCh38, 1-based): chr2:173,261,088, T>C. VCF-style: chr2-173261088-T-C. GRCh37 (hg19) VCF-style: chr2-174125816-T-C.
Other names: short protein forms I501T.
Identifiers: ClinVar variation 1949813 (VCV001949813.5), dbSNP rs780050080, ClinGen allele CA1970879.

ClinVar aggregate classification (germline): Uncertain significance (1 of 4 stars; one submission).

Allele frequency attached by ClinVar (database versions not stated): TOPMed below 0.00001; ExAC 0.00001; gnomAD exomes 0.00001.
gnomAD v4.1: 8 of 1,613,608 alleles (0.0005%); highest among the groups gnomAD compares: South Asian, 0.0055%; no homozygotes.

Submission:

Labcorp Genetics (formerly Invitae), Labcorp
Classification: Uncertain significance. Last evaluated: 2022-08-05. Review status: criteria provided, single submitter. Criteria: Invitae Variant Classification Sherloc (09022015). Collection method: clinical testing. Allele origin: germline.
Comment: This sequence change replaces isoleucine, which is neutral and non-polar, with threonine, which is neutral and polar, at codon 501 of the MAP3K20 protein (p.Ile501Thr). This variant is present in population databases (rs780050080, gnomAD 0.006%). This variant has not been reported in the literature in individuals affected with MAP3K20-related conditions. Experimental studies and prediction algorithms are not available or were not evaluated, and the functional significance of this variant is currently unknown. In summary, the available evidence is currently insufficient to determine the role of this variant in disease. Therefore, it has been classified as a Variant of Uncertain Significance.